The following is an entry in ClinVar:

ClinVar aggregate classification (germline): Uncertain significance. Review status: criteria provided, multiple submitters, no conflicts (2 of 4 stars). 2 submissions from 2 submitters: Uncertain significance (2). Last evaluated 2025-09-03.

Submissions (2):

Mayo Clinic Laboratories, Mayo Clinic
Classification: Uncertain significance. Last evaluated: 2025-09-03. Review status: criteria provided, single submitter. Criteria: ACMG Guidelines, 2015. Collection method: clinical testing. Allele origin: germline. Observed: 1 variant allele.
Comment: BP4_moderate

Revvity Omics, Revvity
Classification: Uncertain significance. Last evaluated: 2021-10-26. Review status: criteria provided, single submitter. Criteria: ACMG Guidelines, 2015. Collection method: clinical testing. Allele origin: germline.

NM_001267550.2(TTN):c.17614A>G (p.Ser5872Gly)

Genes: TTN (titin; minus strand), LOC126806431 (CDK7 strongly-dependent group 2 enhancer GRCh37_chr2:179595719-179596918; plus strand). Cytogenetic location: 2q31.2.
Variant type: single nucleotide variant.
Coding change: c.17614A>G on transcript NM_001267550.2 (MANE Select); coding-DNA position 17614, A replaced by G.
Protein change: p.Ser5872Gly; replaces serine 5872 with glycine.
Molecular consequence: missense variant. On other transcripts: intron variant (3).
Genome position (GRCh38, 1-based): chr2:178,731,051, T>C on the plus strand (A>G on the coding strand, the complement: TTN is on the minus strand). VCF-style: chr2-178731051-T-C. GRCh37 (hg19) VCF-style: chr2-179595778-T-C.
Other names: p.Ser4628Gly; c.16663A>G, p.Ser5555Gly (NM_001256850.1); c.13882A>G, p.Ser4628Gly (NM_133378.4); c.13282+7031A>G (NM_003319.4); c.13858+7031A>G (NM_133437.4); c.13657+7031A>G (NM_133432.3); short protein forms S4628G, S5555G, S5872G.
Identifiers: ClinVar variation 2437743 (VCV002437743.4), dbSNP rs2530040600, ClinGen allele CA349571293.